The following is an entry in ClinVar:

ClinVar aggregate classification (germline): Uncertain significance (1 of 4 stars; one submission).

Conditions:
Muscular dystrophy-dystroglycanopathy (congenital with brain and eye anomalies), type a, 8 (MDDGA8). Also called: WALKER-WARBURG SYNDROME OR MUSCLE-EYE-BRAIN DISEASE, GTDC2-RELATED. Identifiers: Orphanet 899, MedGen C3553813, MONDO:0013904, OMIM 614830.

Submission:

Labcorp Genetics (formerly Invitae), Labcorp
Classification: Uncertain significance for Muscular dystrophy-dystroglycanopathy (congenital with brain and eye anomalies), type a, 8. Last evaluated: 2022-07-05. Review status: criteria provided, single submitter. Criteria: Invitae Variant Classification Sherloc (09022015). Collection method: clinical testing. Allele origin: germline.
Comment: In summary, the available evidence is currently insufficient to determine the role of this variant in disease. Therefore, it has been classified as a Variant of Uncertain Significance. Algorithms developed to predict the effect of missense changes on protein structure and function are either unavailable or do not agree on the potential impact of this missense change (SIFT: "Deleterious"; PolyPhen-2: "Benign"; Align-GVGD: "Class C15"). ClinVar contains an entry for this variant (Variation ID: 1008414). This variant has not been reported in the literature in individuals affected with POMGNT2-related conditions. This variant is not present in population databases (gnomAD no frequency). This sequence change replaces glutamic acid, which is acidic and polar, with lysine, which is basic and polar, at codon 487 of the POMGNT2 protein (p.Glu487Lys).

NM_032806.6(POMGNT2):c.1459G>A (p.Glu487Lys)

Gene: POMGNT2 (protein O-linked mannose N-acetylglucosaminyltransferase 2 (beta 1,4-); minus strand). Cytogenetic location: 3p22.1.
Variant type: single nucleotide variant.
Coding change: c.1459G>A on transcript NM_032806.6 (MANE Select); coding-DNA position 1459, G replaced by A.
Protein change: p.Glu487Lys; replaces glutamic acid 487 with lysine.
Molecular consequence: missense variant.
Genome position (GRCh38, 1-based): chr3:43,079,973, C>T on the plus strand (G>A on the coding strand, the complement: POMGNT2 is on the minus strand). VCF-style: chr3-43079973-C-T. GRCh37 (hg19) VCF-style: chr3-43121465-C-T.
Other names: short protein forms E487K.
Identifiers: ClinVar variation 1008414 (VCV001008414.5), dbSNP rs2089832147, ClinGen allele CA352299941.